The following is an entry in ClinVar:

ClinVar aggregate classification (germline): Uncertain significance. Review status: criteria provided, multiple submitters, no conflicts (2 of 4 stars). 2 submissions from 2 submitters: Uncertain significance (2). Last evaluated 2025-04-18.

Conditions:
Tuberous sclerosis 1 (TSC1). Identifiers: Orphanet 805, MedGen C1854465, MONDO:0008612, OMIM 191100.
Lymphangiomyomatosis (LAM). Also called: Lymphangioleiomyomatosis; Lymphangioleiomyomatosis, somatic. Identifiers: Orphanet 538, MedGen C0751674, MONDO:0011705, OMIM 606690.
Isolated focal cortical dysplasia type II (FCORD2). Also called: Focal cortical dysplasia type II; CORTICAL DYSPLASIA OF TAYLOR. Identifiers: Orphanet 268994, MedGen C1846385, MONDO:0011818, OMIM 607341, HP:0032051.

Allele frequency attached by ClinVar (database versions not stated): gnomAD exomes below 0.00001.
gnomAD v4.1: 1 of 1,613,898 alleles (0.000062%); highest among the groups gnomAD compares: Non-Finnish European, 0.000085%; no homozygotes.

Submissions (2):

Labcorp Genetics (formerly Invitae), Labcorp
Classification: Uncertain significance for Tuberous sclerosis 1. Last evaluated: 2025-04-18. Review status: criteria provided, single submitter. Criteria: Invitae Variant Classification Sherloc (09022015). Collection method: clinical testing. Allele origin: germline.
Comment: This sequence change replaces proline, which is neutral and non-polar, with leucine, which is neutral and non-polar, at codon 683 of the TSC1 protein (p.Pro683Leu). This variant is not present in population databases (gnomAD no frequency). This variant has not been reported in the literature in individuals affected with TSC1-related conditions. ClinVar contains an entry for this variant (Variation ID: 1466035). Invitae Evidence Modeling of protein sequence and biophysical properties (such as structural, functional, and spatial information, amino acid conservation, physicochemical variation, residue mobility, and thermodynamic stability) indicates that this missense variant is not expected to disrupt TSC1 protein function with a negative predictive value of 95%. RNA analysis performed to evaluate the impact of this missense change on mRNA splicing indicates it does not significantly alter splicing (internal data). In summary, the available evidence is currently insufficient to determine the role of this variant in disease. Therefore, it has been classified as a Variant of Uncertain Significance.

Fulgent Genetics
Classification: Uncertain significance for Tuberous sclerosis 1; Lymphangiomyomatosis; Isolated focal cortical dysplasia type II. Last evaluated: 2024-04-15. Review status: criteria provided, single submitter. Criteria: ACMG Guidelines, 2015. Collection method: clinical testing. Allele origin: germline.

NM_000368.5(TSC1):c.2048C>T (p.Pro683Leu)

Gene: TSC1 (TSC complex subunit 1; minus strand). Cytogenetic location: 9q34.13.
Variant type: single nucleotide variant.
Coding change: c.2048C>T on transcript NM_000368.5 (MANE Select); coding-DNA position 2048, C replaced by T.
Protein change: p.Pro683Leu; replaces proline 683 with leucine.
Molecular consequence: missense variant.
Genome position (GRCh38, 1-based): chr9:132,903,811, G>A on the plus strand (C>T on the coding strand, the complement: TSC1 is on the minus strand). VCF-style: chr9-132903811-G-A. GRCh37 (hg19) VCF-style: chr9-135779198-G-A.
Other names: c.2045C>T, p.Pro682Leu (NM_001162426.2); c.1895C>T, p.Pro632Leu (NM_001162427.2); c.1685C>T, p.Pro562Leu (NM_001362177.2); short protein forms P682L, P562L, P632L, P683L.
Identifiers: ClinVar variation 1466035 (VCV001466035.7), dbSNP rs1413960643, ClinGen allele CA375361157.